The following is an entry in ClinVar:

ClinVar aggregate classification (germline): Uncertain significance (1 of 4 stars; one submission).

Conditions:
Benign neonatal seizures. Also called: Convulsions benign familial neonatal dominant form; Autosomal dominant form of benign neonatal seizures; Benign familial neonatal seizures; Benign neonatal familial convulsions; Benign familial neonatal epilepsy. Identifiers: Orphanet 1949, MedGen C0220669, MONDO:0016027.

Submission:

Labcorp Genetics (formerly Invitae), Labcorp
Classification: Uncertain significance for Benign neonatal seizures. Last evaluated: 2025-08-11. Review status: criteria provided, single submitter. Criteria: Invitae Variant Classification Sherloc (09022015). Collection method: clinical testing. Allele origin: germline.
Comment: This variant, c.50_67del, results in the deletion of 6 amino acid(s) of the KCNQ3 protein (p.Asp17_Gly22del), but otherwise preserves the integrity of the reading frame. The frequency data for this variant in the population databases is considered unreliable, as metrics indicate poor data quality at this position in the gnomAD database. This variant has been observed in individual(s) with clinical features of KCNQ3-related conditions (internal data). ClinVar contains an entry for this variant (Variation ID: 569719). Experimental studies and prediction algorithms are not available or were not evaluated, and the functional significance of this variant is currently unknown. In summary, the available evidence is currently insufficient to determine the role of this variant in disease. Therefore, it has been classified as a Variant of Uncertain Significance.

NM_004519.4(KCNQ3):c.50_67del (p.Asp17_Gly22del)

Gene: KCNQ3 (potassium voltage-gated channel subfamily Q member 3; minus strand). Cytogenetic location: 8q24.22.
Variant type: Deletion.
Coding change: c.50_67del on transcript NM_004519.4 (MANE Select); coding-DNA positions 50 to 67, 18 bases deleted (ACGGGGGCGGCGGAGGCG).
Protein change: p.Asp17_Gly22del.
Molecular consequence: inframe deletion.
Genome position (GRCh38, 1-based): chr8:132,480,466-132,480,483, CGCCTCCGCCGCCCCCGT deleted on the plus strand (ACGGGGGCGGCGGAGGCG on the coding strand, the reverse complement: KCNQ3 is on the minus strand); deleting any 18 consecutive bases within chr8:132,480,466-132,480,487 gives the same sequence; the c. name uses the placement nearest the transcript's 3' end. VCF-style (leftmost placement, unchanged base first): chr8-132480465-CCGCCTCCGCCGCCCCCGT-C. GRCh37 (hg19) VCF-style: chr8-133492712-CCGCCTCCGCCGCCCCCGT-C.
Identifiers: ClinVar variation 569719 (VCV000569719.6), dbSNP rs1376853632, ClinGen allele CA585250511.
Genomic context (GRCh38, chr8:132,480,465, plus strand): 5'-ACTTTCCGCTCCTCGTCGCCGGCCGCCGCCGCGTCCCCTCCGGCTGGGTTAGCCGCCCCG[CCGCCTCCGCCGCCCCCGT>C]CGCCGCCGCCGCCAGCCGCCCCCGCCGCCCTGCGCGCCTTGAGCCCCATCTGCCTCGCCC-3'